The following is an entry in ClinVar:

NM_001377229.1(DISP1):c.4063T>G (p.Phe1355Val)

Gene: DISP1 (dispatched RND transporter family member 1; plus strand). Cytogenetic location: 1q41.
Variant type: single nucleotide variant.
Coding change: c.4063T>G on transcript NM_001377229.1 (MANE Select); coding-DNA position 4063, T replaced by G.
Protein change: p.Phe1355Val; replaces phenylalanine 1355 with valine.
Molecular consequence: missense variant.
Genome position (GRCh38, 1-based): chr1:223,005,460, T>G. VCF-style: chr1-223005460-T-G. GRCh37 (hg19) VCF-style: chr1-223178802-T-G.
Other names: c.3334T>G, p.Phe1112Val (NM_001350630.2); c.4063T>G, p.Phe1355Val (NM_001369594.1, NM_001377228.1, NM_032890.5); short protein forms F1112V, F1355V.
Identifiers: ClinVar variation 1477889 (VCV001477889.8), dbSNP rs1337594863, ClinGen allele CA344692845.
Genomic context (GRCh38, chr1:223,005,460, plus strand): 5'-TGTCCCTGCCTGCAGGGCAGAGTAAAGCCAGCCGGAATGCAGAATTCTCTGCCTAGGAAT[T>G]TTTTCCTCCACCCAGTGCAGCACATTCAGGCCCAAGAAAAAATTGGCAAGACCAATGTAC-3'
Protein context (NP_001364158.1, residues 1345-1365): AGMQNSLPRN[Phe1355Val]FLHPVQHIQA

ClinVar aggregate classification (germline): Uncertain significance (1 of 4 stars; one submission).

Allele frequency attached by ClinVar (database versions not stated): gnomAD exomes below 0.00001.
gnomAD v4.1: 13 of 1,613,484 alleles (0.00081%); highest among the groups gnomAD compares: Non-Finnish European, 0.0011%; no homozygotes.

Submission:

Labcorp Genetics (formerly Invitae), Labcorp
Classification: Uncertain significance. Last evaluated: 2024-02-23. Review status: criteria provided, single submitter. Criteria: Invitae Variant Classification Sherloc (09022015). Collection method: clinical testing. Allele origin: germline.
Comment: This sequence change replaces phenylalanine, which is neutral and non-polar, with valine, which is neutral and non-polar, at codon 1355 of the DISP1 protein (p.Phe1355Val). This variant is present in population databases (no rsID available, gnomAD 0.0009%). This variant has not been reported in the literature in individuals affected with DISP1-related conditions. ClinVar contains an entry for this variant (Variation ID: 1477889). An algorithm developed to predict the effect of missense changes on protein structure and function (PolyPhen-2) suggests that this variant is likely to be tolerated. In summary, the available evidence is currently insufficient to determine the role of this variant in disease. Therefore, it has been classified as a Variant of Uncertain Significance.